The following is an entry in ClinVar:

ClinVar aggregate classification (germline): Uncertain significance. Review status: criteria provided, single submitter (1 of 4 stars). 3 submissions from 3 submitters: Uncertain significance (1). 2 of the submissions do not count toward it. Last evaluated 2021-04-01.

Conditions:
Retinitis pigmentosa (RP). Identifiers: Orphanet 791, MedGen C0035334, MeSH D012174, MONDO:0019200, OMIM 268000. Inheritance: Autosomal dominant, autosomal recessive and X linked inheritance.
Enhanced S-cone syndrome 2. Also called: CLUMPED PIGMENTARY RETINAL DEGENERATION. Identifiers: MedGen C6065914, MONDO:0700386, OMIM 621371.

Allele frequency attached by ClinVar (database versions not stated): gnomAD exomes 0.00001; ExAC 0.00007.
gnomAD v4.1: 8 of 1,490,250 alleles (0.00054%); highest among the groups gnomAD compares: South Asian, 0.0092%; no homozygotes.

Submissions (3):

Broad Center for Mendelian Genomics, Broad Institute of MIT and Harvard
Classification: Uncertain significance for Retinitis pigmentosa. Last evaluated: 2021-04-01. Review status: criteria provided, single submitter. Criteria: ACMG Guidelines, 2015. Collection method: curation. Allele origin: germline. Inheritance: Autosomal dominant inheritance. Affected: yes.
Comment: Through a review of available evidence we were able to apply the following criteria: PM2, PM4. Based on this evidence we have classified this variant as a Variant of Uncertain Significance. If you have any questions about the classification please reach out to the Pierce Lab.

OMIM
Classification: Pathogenic for ENHANCED S-CONE SYNDROME 2. Last evaluated: 2025-10-13. Review status: no assertion criteria provided. Collection method: literature only. Allele origin: germline. Not counted in ClinVar's aggregate classification.

Leeds Institute of Medical Research, University of Leeds
Classification: Pathogenic for Retinitis pigmentosa. Last evaluated: 2021-01-15. Review status: no assertion criteria provided. Collection method: research. Allele origin: inherited. Affected: yes. Observed: 3 variant alleles, 3 homozygotes. Not counted in ClinVar's aggregate classification.

Literature cited by the submitters: PubMed 34906470 (cited by Broad Center for Mendelian Genomics, Broad Institute of MIT and Harvard); PubMed 35693422 (cited by OMIM).

NM_001354768.3(NRL):c.713G>T (p.Ter238Leu)

Genes: NRL (neural retina leucine zipper; minus strand), LOC130055387 (ATAC-STARR-seq lymphoblastoid silent region 5620; plus strand). Cytogenetic location: 14q11.2.
Variant type: single nucleotide variant.
Coding change: c.713G>T on transcript NM_001354768.3 (MANE Select); coding-DNA position 713, G replaced by T.
Protein change: p.Ter238Leu.
Molecular consequence: stop lost.
Genome position (GRCh38, 1-based): chr14:24,081,237, C>A on the plus strand (G>T on the coding strand, the complement: NRL is on the minus strand). VCF-style: chr14-24081237-C-A. GRCh37 (hg19) VCF-style: chr14-24550446-C-A.
Other names: *238L; c.713G>T, p.Ter238Leu (NM_001354769.1, NM_006177.5); c.398G>T, p.Ter133Leu (NM_001354770.2); c.[713G>T] (NM_006177.5).
Identifiers: ClinVar variation 995878 (VCV000995878.6), dbSNP rs754136527, ClinGen allele CA7122809.
Genomic context (GRCh38, chr14:24,081,237, plus strand): 5'-CCTCCTGGGCGGAGCCACCCCACCCAGCCCCCACTACACCACAAGGTGCTCTGAACGGCT[C>A]AGAGGAAGAGGTGGGAGGGGTCCCCGGACCCGGGGCCGCTCGAGGTTAGCCGGTCACAGC-3'